The following is an entry in ClinVar:

ClinVar aggregate classification (germline): Pathogenic/Likely pathogenic. Review status: criteria provided, multiple submitters, no conflicts (2 of 4 stars). 4 submissions from 4 submitters: Pathogenic (1); Likely pathogenic (2). 1 of the submissions does not count toward it. Last evaluated 2022-09-28.

Conditions:
Inborn genetic diseases. Identifiers: MedGen C0950123, MeSH D030342.
Cleidocranial dysostosis (CLCD1). Also called: Cleidocranial Dysplasia Spectrum Disorder; cleidocranial dysplasia 1; Marie-Sainton disease. Identifiers: Orphanet 1452, MedGen C0008928, MONDO:0007340, OMIM 119600.

Submissions (4):

Ambry Genetics
Classification: Pathogenic for Inborn genetic diseases. Last evaluated: 2022-09-28. Review status: criteria provided, single submitter. Criteria: Ambry Variant Classification Scheme 2023. Collection method: clinical testing. Allele origin: germline.
Comment: The c.1379dupC (p.D463Rfs*27) alteration, located in exon 9 (coding exon 8) of the RUNX2 gene, consists of a duplication of C at position 1379, causing a translational frameshift with a predicted alternate stop codon after 27 amino acids. This alteration occurs at the 3' terminus of the RUNX2 gene, is not expected to trigger nonsense-mediated mRNA decay, and only impacts the last 11.3% of the protein. However, premature stop codons are typically deleterious in nature and the impacted region is critical for protein function (Ambry internal data). This variant was not reported in population-based cohorts in the Genome Aggregation Database (gnomAD). This pathogenic variant has been reported in an individual with a mild phenotype of cleidocranial dysplasia (Quack, 1999). In addition, another alteration resulting in the same predicted protein, c.1385dupG, has been described in a patient with cleidocranial dysplasia (Ott, 2010). Based on the available evidence, this alteration is classified as pathogenic.

Revvity Omics, Revvity
Classification: Likely pathogenic. Last evaluated: 2022-09-28. Review status: criteria provided, single submitter. Criteria: ACMG Guidelines, 2015. Collection method: clinical testing. Allele origin: germline.

Labcorp Genetics (formerly Invitae), Labcorp
Classification: Likely pathogenic. Last evaluated: 2022-01-05. Review status: criteria provided, single submitter. Criteria: Invitae Variant Classification Sherloc (09022015). Collection method: clinical testing. Allele origin: germline.
Comment: In summary, the currently available evidence indicates that the variant is pathogenic, but additional data are needed to prove that conclusively. Therefore, this variant has been classified as Likely Pathogenic. Experimental studies and prediction algorithms are not available or were not evaluated, and the functional significance of this variant is currently unknown. ClinVar contains an entry for this variant (Variation ID: 9300). This premature translational stop signal has been observed in individuals with cleidocranial dysplasia (PMID: 10521292, 20648631; Invitae). This variant is not present in population databases (gnomAD no frequency). This sequence change creates a premature translational stop signal (p.Asp463Argfs*27) in the RUNX2 gene. While this is not anticipated to result in nonsense mediated decay, it is expected to disrupt the last 59 amino acid(s) of the RUNX2 protein.

OMIM
Classification: Pathogenic for CLEIDOCRANIAL DYSPLASIA 1, FORME FRUSTE. Last evaluated: 1999-11-01. Review status: no assertion criteria provided. Collection method: literature only. Allele origin: germline. Not counted in ClinVar's aggregate classification.

Literature cited by the submitters: PubMed 10521292 (cited by 3 submitters); PubMed 20648631 (cited by Ambry Genetics and Labcorp Genetics (formerly Invitae), Labcorp).

NM_001024630.4(RUNX2):c.1379dup (p.Asp463fs)

Gene: RUNX2 (RUNX family transcription factor 2; plus strand). Cytogenetic location: 6p21.1.
Variant type: Duplication.
Coding change: c.1379dup on transcript NM_001024630.4 (MANE Select); coding-DNA position 1379, one base duplicated (C; older notation c.1379dupC).
Protein change: p.Asp463fs; shifts the reading frame from aspartic acid 463.
Molecular consequence: frameshift variant.
Genome position (GRCh38, 1-based): chr6:45,547,118, C duplicated; the last of 2 consecutive C bases (chr6:45,547,117-45,547,118); duplicating either gives the same sequence. VCF-style (leftmost placement, unchanged base first): chr6-45547116-G-GC. GRCh37 (hg19) VCF-style: chr6-45514853-G-GC.
Other names: c.1379dupC (NM_001024630.3); c.1379dup (NM_001024630.3); c.1313dup, p.Asp441fs (NM_001015051.4); c.1271dup, p.Asp427fs (NM_001278478.2); c.1337dup, p.Asp449fs (NM_001369405.1); short protein forms D463fs, D441fs, D427fs, D449fs.
Identifiers: ClinVar variation 9300 (VCV000009300.12), dbSNP rs1582232661, ClinGen allele CA913184995.
Genomic context (GRCh38, chr6:45,547,116, plus strand): 5'-CAGCAGCACTCCATATCTCTACTATGGCACTTCGTCAGGATCCTATCAGTTTCCCATGGT[G>GC]CCGGGGGGAGACCGGTCTCCTTCCAGAATGCTTCCGCCATGCACCACCACCTCGAATGGC-3'